The following is an entry in ClinVar:

ClinVar aggregate classification (germline): Uncertain significance. Review status: criteria provided, multiple submitters, no conflicts (2 of 4 stars). 2 submissions from 2 submitters: Uncertain significance (2). Last evaluated 2025-12-31.

Conditions:
Autosomal recessive limb-girdle muscular dystrophy type 2J (LGMDR10). Also called: MUSCULAR DYSTROPHY, LIMB-GIRDLE, AUTOSOMAL RECESSIVE 10; Limb-girdle muscular dystrophy, type 2J. Identifiers: Orphanet 140922, MedGen C1837342, MONDO:0012127, OMIM 608807.
Dilated cardiomyopathy 1G (CMD1G). Identifiers: Orphanet 154, MedGen C1858763, MONDO:0011400, OMIM 604145.

Allele frequency attached by ClinVar (database versions not stated): TOPMed below 0.00001; gnomAD 0.00001; gnomAD exomes 0.00001; ExAC 0.00003.
gnomAD v4.1: 5 of 1,613,812 alleles (0.00031%); highest among the groups gnomAD compares: Admixed American, 0.0083%; no homozygotes.

Submissions (2):

Women's Health and Genetics/Laboratory Corporation of America, LabCorp
Classification: Uncertain significance. Last evaluated: 2025-12-31. Review status: criteria provided, single submitter. Criteria: LabCorp Variant Classification Summary - May 2015. Collection method: clinical testing. Allele origin: germline.
Comment: Variant summary: TTN c.96841G>A (p.Glu32281Lys) results in a conservative amino acid change in the encoded protein sequence. Algorithms developed to predict the effect of missense changes on protein structure and function are either unavailable or do not agree on the potential impact of this missense change. The variant allele was found at a frequency of 1.6e-05 in 248846 control chromosomes. The available data on variant occurrences in the general population are insufficient to allow any conclusion about variant significance. To our knowledge, no occurrence of c.96841G>A in individuals affected with TTN-related conditions and no experimental evidence demonstrating its impact on protein function have been reported. ClinVar contains an entry for this variant (Variation ID: 2159078). Based on the evidence outlined above, the variant was classified as uncertain significance.

Labcorp Genetics (formerly Invitae), Labcorp
Classification: Uncertain significance for Dilated cardiomyopathy 1G; Autosomal recessive limb-girdle muscular dystrophy type 2J. Last evaluated: 2024-04-20. Review status: criteria provided, single submitter. Criteria: Invitae Variant Classification Sherloc (09022015). Collection method: clinical testing. Allele origin: germline.
Comment: This sequence change replaces glutamic acid, which is acidic and polar, with lysine, which is basic and polar, at codon 34849 of the TTN protein (p.Glu34849Lys). This variant is present in population databases (rs764917483, gnomAD 0.01%). This variant has not been reported in the literature in individuals affected with TTN-related conditions. ClinVar contains an entry for this variant (Variation ID: 2159078). Experimental studies and prediction algorithms are not available or were not evaluated, and the functional significance of this variant is currently unknown. This variant is located in the M band of TTN (PMID: 25589632). Non-truncating variants in this region may be relevant for neuromuscular disorders, but have not been definitively shown to cause cardiomyopathy (PMID: 23975875). In summary, the available evidence is currently insufficient to determine the role of this variant in disease. Therefore, it has been classified as a Variant of Uncertain Significance.

Literature cited by the submitters: PubMed 25589632 (cited by Labcorp Genetics (formerly Invitae), Labcorp); PubMed 23975875 (cited by Labcorp Genetics (formerly Invitae), Labcorp).

NM_001267550.2(TTN):c.104545G>A (p.Glu34849Lys)

Genes: TTN-AS1 (TTN antisense RNA 1; plus strand), TTN (titin; minus strand). Cytogenetic location: 2q31.2.
Variant type: single nucleotide variant.
Coding change: c.104545G>A on transcript NM_001267550.2 (MANE Select); coding-DNA position 104545, G replaced by A.
Protein change: p.Glu34849Lys; replaces glutamic acid 34849 with lysine.
Molecular consequence: missense variant.
Genome position (GRCh38, 1-based): chr2:178,532,070, C>T on the plus strand (G>A on the coding strand, the complement: TTN is on the minus strand). VCF-style: chr2-178532070-C-T. GRCh37 (hg19) VCF-style: chr2-179396797-C-T.
Other names: c.99622G>A, p.Glu33208Lys (NM_001256850.1); c.77350G>A, p.Glu25784Lys (NM_003319.4); c.96841G>A, p.Glu32281Lys (NM_133378.4); c.77725G>A, p.Glu25909Lys (NM_133432.3); c.77926G>A, p.Glu25976Lys (NM_133437.4); short protein forms E33208K, E32281K, E34849K, E25784K, E25909K, E25976K.
Identifiers: ClinVar variation 2159078 (VCV002159078.5), dbSNP rs764917483, ClinGen allele CA1985404.